The following is an entry in ClinVar:

ClinVar aggregate classification (germline): Uncertain significance (1 of 4 stars; one submission).

Conditions:
Amelocerebrohypohidrotic syndrome (KTZS). Also called: EPILEPSY AND YELLOW TEETH; EPILEPSY, DEMENTIA, AND AMELOGENESIS IMPERFECTA; Kohlschutter's syndrome; KOHLSCHUTTER SYNDROME. Identifiers: Orphanet 1946, MedGen C0406740, MONDO:0009185, OMIM 226750.

Allele frequency attached by ClinVar (database versions not stated): TOPMed below 0.00001; gnomAD 0.00001.

Submission:

Labcorp Genetics (formerly Invitae), Labcorp
Classification: Uncertain significance for Amelocerebrohypohidrotic syndrome. Last evaluated: 2022-07-12. Review status: criteria provided, single submitter. Criteria: Invitae Variant Classification Sherloc (09022015). Collection method: clinical testing. Allele origin: germline.
Comment: In summary, the available evidence is currently insufficient to determine the role of this variant in disease. Therefore, it has been classified as a Variant of Uncertain Significance. Algorithms developed to predict the effect of missense changes on protein structure and function are either unavailable or do not agree on the potential impact of this missense change (SIFT: "Tolerated"; PolyPhen-2: "Possibly Damaging"; Align-GVGD: "Class C0"). ClinVar contains an entry for this variant (Variation ID: 565411). This variant has not been reported in the literature in individuals affected with ROGDI-related conditions. This variant is not present in population databases (gnomAD no frequency). This sequence change replaces leucine, which is neutral and non-polar, with phenylalanine, which is neutral and non-polar, at codon 143 of the ROGDI protein (p.Leu143Phe).

NM_024589.3(ROGDI):c.427C>T (p.Leu143Phe)

Gene: ROGDI (rogdi atypical leucine zipper; minus strand). Cytogenetic location: 16p13.3.
Variant type: single nucleotide variant.
Coding change: c.427C>T on transcript NM_024589.3 (MANE Select); coding-DNA position 427, C replaced by T.
Protein change: p.Leu143Phe; replaces leucine 143 with phenylalanine.
Molecular consequence: missense variant. On other transcripts: non-coding transcript variant (1).
Genome position (GRCh38, 1-based): chr16:4,799,691, G>A on the plus strand (C>T on the coding strand, the complement: ROGDI is on the minus strand). VCF-style: chr16-4799691-G-A. GRCh37 (hg19) VCF-style: chr16-4849692-G-A.
Other names: short protein forms L143F.
Identifiers: ClinVar variation 565411 (VCV000565411.7), dbSNP rs985601573, ClinGen allele CA277137847.